The following is an entry in ClinVar:

NM_000051.4(ATM):c.4214del (p.Ile1404_Leu1405insTer)

Gene: ATM (ATM serine/threonine kinase; plus strand). Cytogenetic location: 11q22.3.
Variant type: Deletion.
Coding change: c.4214del on transcript NM_000051.4 (MANE Select); coding-DNA position 4214, one base deleted (T; older notation c.4214delT).
Protein change: p.Ile1404_Leu1405insTer.
Molecular consequence: nonsense.
Genome position (GRCh38, 1-based): chr11:108,289,081, T deleted; the last of 4 consecutive T bases (chr11:108,289,078-108,289,081); deleting any one gives the same sequence. VCF-style (leftmost placement, unchanged base first): chr11-108289077-AT-A. GRCh37 (hg19) VCF-style: chr11-108159804-AT-A.
Other names: c.4214del, p.Ile1404_Leu1405insTer (NM_001351834.2).
Identifiers: ClinVar variation 956472 (VCV000956472.7), dbSNP rs2082646632, ClinGen allele CA1139662303.

ClinVar aggregate classification (germline): Pathogenic (1 of 4 stars; one submission).

Conditions:
Ataxia-telangiectasia syndrome (AT). Also called: AT, COMPLEMENTATION GROUP C; Ataxia telangiectasia (A-T); Cerebello-oculocutaneous telangiectasia; Immunodeficiency with ataxia telangiectasia; LOUIS-BAR SYNDROME; Ataxia-telangiectasia. Identifiers: Orphanet 100, MedGen C0004135, MONDO:0008840, OMIM 208900.

Submission:

Labcorp Genetics (formerly Invitae), Labcorp
Classification: Pathogenic for Ataxia-telangiectasia syndrome. Last evaluated: 2021-05-16. Review status: criteria provided, single submitter. Criteria: Invitae Variant Classification Sherloc (09022015). Collection method: clinical testing. Allele origin: germline.
Comment: For these reasons, this variant has been classified as Pathogenic. This variant has not been reported in the literature in individuals with ATM-related conditions. ClinVar contains an entry for this variant (Variation ID: 956472). This variant is not present in population databases (ExAC no frequency). This sequence change creates a premature translational stop signal (p.Leu1405*) in the ATM gene. It is expected to result in an absent or disrupted protein product. Loss-of-function variants in ATM are known to be pathogenic (PMID: 23807571, 25614872).

Literature cited by the submitters: PubMed 23807571; PubMed 25614872.